The following is an entry in ClinVar:

NM_033026.6(PCLO):c.14311A>G (p.Thr4771Ala)

Gene: PCLO (piccolo presynaptic cytomatrix protein; minus strand). Cytogenetic location: 7q21.11.
Variant type: single nucleotide variant.
Coding change: c.14311A>G on transcript NM_033026.6 (MANE Select); coding-DNA position 14311, A replaced by G.
Protein change: p.Thr4771Ala; replaces threonine 4771 with alanine.
Molecular consequence: missense variant.
Genome position (GRCh38, 1-based): chr7:82,827,905, T>C on the plus strand (A>G on the coding strand, the complement: PCLO is on the minus strand). VCF-style: chr7-82827905-T-C. GRCh37 (hg19) VCF-style: chr7-82457221-T-C.
Other names: c.14311A>G, p.Thr4771Ala (NM_014510.3); short protein forms T4771A.
Identifiers: ClinVar variation 1919443 (VCV001919443.4), dbSNP rs767521687, ClinGen allele CA4318869.

ClinVar aggregate classification (germline): Uncertain significance (1 of 4 stars; one submission).

Allele frequency attached by ClinVar (database versions not stated): ExAC 0.00001; gnomAD exomes 0.00001.
gnomAD v4.1: 12 of 1,598,716 alleles (0.00075%); highest among the groups gnomAD compares: Non-Finnish European, 0.001%; no homozygotes.

Submission:

Labcorp Genetics (formerly Invitae), Labcorp
Classification: Uncertain significance. Last evaluated: 2022-04-15. Review status: criteria provided, single submitter. Criteria: Invitae Variant Classification Sherloc (09022015). Collection method: clinical testing. Allele origin: germline.
Comment: In summary, the available evidence is currently insufficient to determine the role of this variant in disease. Therefore, it has been classified as a Variant of Uncertain Significance. Algorithms developed to predict the effect of missense changes on protein structure and function are either unavailable or do not agree on the potential impact of this missense change (SIFT: "Deleterious"; PolyPhen-2: "Not Available"; Align-GVGD: "Class C0"). This variant has not been reported in the literature in individuals affected with PCLO-related conditions. The frequency data for this variant in the population databases is considered unreliable, as metrics indicate poor data quality at this position in the gnomAD database. This sequence change replaces threonine, which is neutral and polar, with alanine, which is neutral and non-polar, at codon 4771 of the PCLO protein (p.Thr4771Ala).